The following is an entry in ClinVar:

NM_213720.3(CHCHD10):c.276T>A (p.Ala92=)

Gene: CHCHD10 (coiled-coil-helix-coiled-coil-helix domain containing 10; minus strand). Cytogenetic location: 22q11.23.
Variant type: single nucleotide variant.
Coding change: c.276T>A on transcript NM_213720.3 (MANE Select); coding-DNA position 276, T replaced by A.
Protein change: p.Ala92=; no amino-acid change (alanine 92 retained).
Molecular consequence: synonymous variant. On other transcripts: non-coding transcript variant (2).
Genome position (GRCh38, 1-based): chr22:23,766,261, A>T on the plus strand (T>A on the coding strand, the complement: CHCHD10 is on the minus strand). VCF-style: chr22-23766261-A-T. GRCh37 (hg19) VCF-style: chr22-24108448-A-T.
Other names: c.297T>A, p.Ala99= (NM_001301339.2).
Identifiers: ClinVar variation 567906 (VCV000567906.12), dbSNP rs1252496774, ClinGen allele CA410915171.

ClinVar aggregate classification (germline): Conflicting classifications of pathogenicity. Review status: criteria provided, conflicting classifications (1 of 4 stars). 4 submissions from 4 submitters: Uncertain significance (2); Likely benign (2). Last evaluated 2024-10-04.

Conditions:
Inborn genetic diseases. Identifiers: MedGen C0950123, MeSH D030342.
Lower motor neuron syndrome with late-adult onset (SMAJ). Also called: Late-Onset Spinal Motor Neuronopathy (SMAJ); Spinal muscular atrophy, Jokela type. Identifiers: Orphanet 276435, MedGen C3554398, MONDO:0014025, OMIM 615048.
Frontotemporal dementia and/or amyotrophic lateral sclerosis 2. Also called: FTDALS2. Identifiers: Orphanet 275872, MedGen C4014648, MONDO:0014395, OMIM 615911.
Autosomal dominant mitochondrial myopathy with exercise intolerance (IMMD). Also called: Myopathy, isolated mitochondrial, autosomal dominant. Identifiers: Orphanet 457050, MedGen C4015513, MONDO:0014532, OMIM 616209.

Submissions (4):

Blueprint Genetics
Classification: Likely benign. Last evaluated: 2024-10-04. Review status: criteria provided, single submitter. Criteria: ACMG Guidelines, 2015. Collection method: clinical testing. Allele origin: germline.

Ambry Genetics
Classification: Likely benign for Inborn genetic diseases. Last evaluated: 2019-07-11. Review status: criteria provided, single submitter. Criteria: Ambry Variant Classification Scheme 2023. Collection method: clinical testing. Allele origin: germline.

Labcorp Genetics (formerly Invitae), Labcorp
Classification: Uncertain significance for Lower motor neuron syndrome with late-adult onset; Frontotemporal dementia and/or amyotrophic lateral sclerosis 2; Autosomal dominant mitochondrial myopathy with exercise intolerance. Last evaluated: 2018-05-30. Review status: criteria provided, single submitter. Criteria: Invitae Variant Classification Sherloc (09022015). Collection method: clinical testing. Allele origin: germline.
Comment: This sequence change affects codon 92 of the CHCHD10 mRNA. It is a 'silent' change, meaning that it does not change the encoded amino acid sequence of the CHCHD10 protein. While this variant is not present in population databases, the frequency information is unreliable, as metrics indicate poor data quality at this position in the ExAC database. This variant has not been reported in the literature in individuals with CHCHD10-related disease. Algorithms developed to predict the effect of sequence changes on RNA splicing suggest that this variant may create or strengthen a splice site, but this prediction has not been confirmed by published transcriptional studies. In summary, the available evidence is currently insufficient to determine the role of this variant in disease. Therefore, it has been classified as a Variant of Uncertain Significance.

Breakthrough Genomics
Classification: Uncertain significance. Review status: criteria provided, single submitter. Criteria: ACMG Guidelines, 2015. Collection method: not provided. Allele origin: germline. Inheritance: Autosomal dominant inheritance. Affected: yes.